The following is an entry in ClinVar:

NM_001429.4(EP300):c.1729del (p.Gln577fs)

Gene: EP300 (EP300 lysine acetyltransferase; plus strand). Cytogenetic location: 22q13.2.
Variant type: Deletion.
Coding change: c.1729del on transcript NM_001429.4 (MANE Select); coding-DNA position 1729, one base deleted (C; older notation c.1729delC).
Protein change: p.Gln577fs; shifts the reading frame from glutamine 577.
Molecular consequence: frameshift variant.
Genome position (GRCh38, 1-based): chr22:41,137,759, C deleted. VCF-style (leftmost placement, unchanged base first): chr22-41137758-TC-T. GRCh37 (hg19) VCF-style: chr22-41533762-TC-T.
Other names: c.1729del, p.Gln577fs (NM_001362843.2); short protein forms Q577fs.
Identifiers: ClinVar variation 2821746 (VCV002821746.3), dbSNP rs2518141405, ClinGen allele CA2739267987.
Genomic context (GRCh38, chr22:41,137,758, plus strand): 5'-GCCAACAGCAGCTCAACCATCCACTACTGGAATTCGGAAACAGTGGCACGAAGATATTAC[TC>T]AGGATCTTCGAAATCATCTTGTTCACAAACTGTAAGTAAGATTGTGGACACGTCTCATTC-3'

ClinVar aggregate classification (germline): Pathogenic (1 of 4 stars; one submission).

Conditions:
Rubinstein-Taybi syndrome due to EP300 haploinsufficiency. Also called: EP300-Related Rubinstein-Taybi Syndrome; RUBINSTEIN-TAYBI SYNDROME 2. Identifiers: Orphanet 353284, Orphanet 783, MedGen C3150941, MONDO:0013364, OMIM 613684.

Submission:

Labcorp Genetics (formerly Invitae), Labcorp
Classification: Pathogenic for Rubinstein-Taybi syndrome due to EP300 haploinsufficiency. Last evaluated: 2022-12-17. Review status: criteria provided, single submitter. Criteria: Invitae Variant Classification Sherloc (09022015). Collection method: clinical testing. Allele origin: germline.
Comment: For these reasons, this variant has been classified as Pathogenic. This variant has not been reported in the literature in individuals affected with EP300-related conditions. This variant is not present in population databases (gnomAD no frequency). This sequence change creates a premature translational stop signal (p.Gln577Argfs*24) in the EP300 gene. It is expected to result in an absent or disrupted protein product. Loss-of-function variants in EP300 are known to be pathogenic (PMID: 15706485, 24476420).

Literature cited by the submitters: PubMed 15706485; PubMed 24476420.